The following is an entry in ClinVar:

NM_005609.4(PYGM):c.710A>G (p.Asn237Ser)

Gene: PYGM (glycogen phosphorylase, muscle associated; minus strand). Cytogenetic location: 11q13.1.
Variant type: single nucleotide variant.
Coding change: c.710A>G on transcript NM_005609.4 (MANE Select); coding-DNA position 710, A replaced by G.
Protein change: p.Asn237Ser; replaces asparagine 237 with serine.
Molecular consequence: missense variant.
Genome position (GRCh38, 1-based): chr11:64,755,509, T>C on the plus strand (A>G on the coding strand, the complement: PYGM is on the minus strand). VCF-style: chr11-64755509-T-C. GRCh37 (hg19) VCF-style: chr11-64522981-T-C.
Other names: c.446A>G, p.Asn149Ser (NM_001164716.1); c.710A>G (NM_005609.2); short protein forms N149S, N237S.
Identifiers: ClinVar variation 2200661 (VCV002200661.6), dbSNP rs771073706, ClinGen allele CA6080146.
Genomic context (GRCh38, chr11:64,755,509, plus strand): 5'-TCCTTGAGGTTGAAGTCATTGGGAGCCTTGGCAGACCAGAGGCGCATGGTGTTGACAACA[T>C]TGTTGCGATAGCCAGGCACGGGCGTATCGTAGGGCATGGCCAGTACCACCTGCGGGGGGC-3'
Protein context (NP_005600.1, residues 227-247): YDTPVPGYRN[Asn237Ser]VVNTMRLWSA

ClinVar aggregate classification (germline): Uncertain significance. Review status: criteria provided, multiple submitters, no conflicts (2 of 4 stars). 4 submissions from 4 submitters: Uncertain significance (4). Last evaluated 2024-05-09.

Conditions:
Inborn genetic diseases. Identifiers: MedGen C0950123, MeSH D030342.
Glycogen storage disease, type V (GSD5). Also called: MCARDLE DISEASE; MUSCLE GLYCOGEN PHOSPHORYLASE DEFICIENCY; MYOPHOSPHORYLASE DEFICIENCY; PYGM DEFICIENCY; McArdle type glycogen storage disease. Identifiers: Orphanet 368, MedGen C0017924, MONDO:0009293, OMIM 232600.

Allele frequency attached by ClinVar (database versions not stated): gnomAD 0.00001; gnomAD exomes 0.00004; TOPMed 0.00005; ExAC 0.00006.
gnomAD v4.1: 26 of 1,613,960 alleles (0.0016%); highest among the groups gnomAD compares: Admixed American, 0.043%; no homozygotes.

Submissions (4):

Fulgent Genetics
Classification: Uncertain significance for Glycogen storage disease, type V. Last evaluated: 2024-05-09. Review status: criteria provided, single submitter. Criteria: ACMG Guidelines, 2015. Collection method: clinical testing. Allele origin: germline.

Ambry Genetics
Classification: Uncertain significance for Inborn genetic diseases. Last evaluated: 2024-03-04. Review status: criteria provided, single submitter. Criteria: Ambry Variant Classification Scheme 2023. Collection method: clinical testing. Allele origin: germline.

Labcorp Genetics (formerly Invitae), Labcorp
Classification: Uncertain significance for Glycogen storage disease, type V. Last evaluated: 2022-08-01. Review status: criteria provided, single submitter. Criteria: Invitae Variant Classification Sherloc (09022015). Collection method: clinical testing. Allele origin: germline.
Comment: This sequence change replaces asparagine, which is neutral and polar, with serine, which is neutral and polar, at codon 237 of the PYGM protein (p.Asn237Ser). This variant is present in population databases (rs771073706, gnomAD 0.06%). This variant has not been reported in the literature in individuals affected with PYGM-related conditions. Algorithms developed to predict the effect of missense changes on protein structure and function are either unavailable or do not agree on the potential impact of this missense change (SIFT: "Not Available"; PolyPhen-2: "Possibly Damaging"; Align-GVGD: "Not Available"). In summary, the available evidence is currently insufficient to determine the role of this variant in disease. Therefore, it has been classified as a Variant of Uncertain Significance.

Revvity Omics, Revvity
Classification: Uncertain significance for Glycogen storage disease, type V. Last evaluated: 2019-04-11. Review status: criteria provided, single submitter. Criteria: ACMG Guidelines, 2015. Collection method: clinical testing. Allele origin: germline.